The following is an entry in ClinVar:

NM_020320.5(RARS2):c.22G>T (p.Ala8Ser)

Gene: RARS2 (arginyl-tRNA synthetase 2, mitochondrial; minus strand). Cytogenetic location: 6q15.
Variant type: single nucleotide variant.
Coding change: c.22G>T on transcript NM_020320.5 (MANE Select); coding-DNA position 22, G replaced by T.
Protein change: p.Ala8Ser; replaces alanine 8 with serine.
Molecular consequence: missense variant. On other transcripts: 5 prime UTR variant (7), non-coding transcript variant (23).
Genome position (GRCh38, 1-based): chr6:87,589,936, C>A on the plus strand (G>T on the coding strand, the complement: RARS2 is on the minus strand). VCF-style: chr6-87589936-C-A. GRCh37 (hg19) VCF-style: chr6-88299654-C-A.
Other names: c.-669G>T (NM_001318785.2); c.22G>T, p.Ala8Ser (NM_001350505.2); c.-725G>T (NM_001350506.2, NM_001350510.2); c.-848G>T (NM_001350507.2); c.-887G>T (NM_001350508.2); c.-595G>T (NM_001350509.2); c.-844G>T (NM_001350511.2); short protein forms A8S.
Identifiers: ClinVar variation 2149148 (VCV002149148.2), dbSNP rs756422212, ClinGen allele CA364919664.

ClinVar aggregate classification (germline): Uncertain significance (1 of 4 stars; one submission).

gnomAD v4.1: 5 of 1,614,058 alleles (0.00031%); highest among the groups gnomAD compares: Admixed American, 0.0017%; no homozygotes.

Submission:

Labcorp Genetics (formerly Invitae), Labcorp
Classification: Uncertain significance. Last evaluated: 2025-03-03. Review status: criteria provided, single submitter. Criteria: Invitae Variant Classification Sherloc (09022015). Collection method: clinical testing. Allele origin: germline.
Comment: This sequence change replaces alanine, which is neutral and non-polar, with serine, which is neutral and polar, at codon 8 of the RARS2 protein (p.Ala8Ser). This variant is not present in population databases (gnomAD no frequency). This variant has not been reported in the literature in individuals affected with RARS2-related conditions. ClinVar contains an entry for this variant (Variation ID: 2149148). Invitae Evidence Modeling of protein sequence and biophysical properties (such as structural, functional, and spatial information, amino acid conservation, physicochemical variation, residue mobility, and thermodynamic stability) indicates that this missense variant is not expected to disrupt RARS2 protein function with a negative predictive value of 95%. In summary, the available evidence is currently insufficient to determine the role of this variant in disease. Therefore, it has been classified as a Variant of Uncertain Significance.